The following is an entry in ClinVar:

ClinVar aggregate classification (germline): Benign/Likely benign. Review status: criteria provided, multiple submitters, no conflicts (2 of 4 stars). 4 submissions from 4 submitters: Benign (2); Likely benign (2). Last evaluated 2026-02-03.

Allele frequency attached by ClinVar (database versions not stated): gnomAD exomes 0.00407; ExAC 0.00946; gnomAD 0.01411; TOPMed 0.01414; 1000 Genomes Project 0.01518; 1000 Genomes Project 30x 0.01562.
gnomAD v4.1: 3,879 of 1,181,636 alleles (0.33%); highest among the groups gnomAD compares: African/African-American, 4.6%; 85 homozygotes.

Submissions (4):

Labcorp Genetics (formerly Invitae), Labcorp
Classification: Benign. Last evaluated: 2026-02-03. Review status: criteria provided, single submitter. Criteria: Invitae Variant Classification Sherloc (09022015). Collection method: clinical testing. Allele origin: germline.

Mayo Clinic Laboratories, Mayo Clinic
Classification: Benign. Last evaluated: 2024-01-12. Review status: criteria provided, single submitter. Criteria: ACMG Guidelines, 2015. Collection method: clinical testing. Allele origin: germline. Observed: 13 variant alleles.
Comment: BA1, BS2, BP4

Athena Diagnostics
Classification: Likely benign. Last evaluated: 2017-09-12. Review status: criteria provided, single submitter. Criteria: Athena Diagnostics Criteria. Collection method: clinical testing. Allele origin: germline.

Breakthrough Genomics
Classification: Likely benign. Review status: criteria provided, single submitter. Criteria: ACMG Guidelines, 2015. Collection method: not provided. Allele origin: germline. Inheritance: Autosomal recessive inheritance. Affected: yes.

NM_002775.5(HTRA1):c.77G>A (p.Arg26Gln)

Gene: HTRA1 (HtrA serine peptidase 1; plus strand). Cytogenetic location: 10q26.13.
Variant type: single nucleotide variant.
Coding change: c.77G>A on transcript NM_002775.5 (MANE Select); coding-DNA position 77, G replaced by A.
Protein change: p.Arg26Gln; replaces arginine 26 with glutamine.
Molecular consequence: missense variant.
Genome position (GRCh38, 1-based): chr10:122,461,729, G>A. VCF-style: chr10-122461729-G-A. GRCh37 (hg19) VCF-style: chr10-124221245-G-A.
Other names: p.Arg26Gln; short protein forms R26Q.
Identifiers: ClinVar variation 299045 (VCV000299045.17), dbSNP rs190036021, ClinGen allele CA5725794.